The following is an entry in ClinVar:

NM_001002295.2(GATA3):c.213G>C (p.Thr71=)

Genes: GATA3 (GATA binding protein 3; plus strand), LOC130003278 (ATAC-STARR-seq lymphoblastoid silent region 2118; plus strand). Cytogenetic location: 10p14.
Variant type: single nucleotide variant.
Coding change: c.213G>C on transcript NM_001002295.2 (MANE Select); coding-DNA position 213, G replaced by C.
Protein change: p.Thr71=; no amino-acid change (threonine 71 retained).
Molecular consequence: synonymous variant.
Genome position (GRCh38, 1-based): chr10:8,055,868, G>C. VCF-style: chr10-8055868-G-C. GRCh37 (hg19) VCF-style: chr10-8097831-G-C.
Other names: c.213G>C, p.Thr71= (NM_002051.3).
Identifiers: ClinVar variation 505766 (VCV000505766.6), dbSNP rs767609253, ClinGen allele CA5404298.

ClinVar aggregate classification (germline): Likely benign. Review status: criteria provided, multiple submitters, no conflicts (2 of 4 stars). 3 submissions from 3 submitters: Likely benign (3). Last evaluated 2025-10-09.

Allele frequency attached by ClinVar (database versions not stated): gnomAD 0.00001; TOPMed 0.00001; ExAC 0.00008.
gnomAD v4.1: 19 of 1,569,016 alleles (0.0012%); highest among the groups gnomAD compares: Admixed American, 0.0019%; no homozygotes.

Submissions (3):

Labcorp Genetics (formerly Invitae), Labcorp
Classification: Likely benign. Last evaluated: 2025-10-09. Review status: criteria provided, single submitter. Criteria: Invitae Variant Classification Sherloc (09022015). Collection method: clinical testing. Allele origin: germline.

Blueprint Genetics
Classification: Likely benign. Last evaluated: 2023-08-10. Review status: criteria provided, single submitter. Criteria: ACMG Guidelines, 2015. Collection method: clinical testing. Allele origin: germline.

Laboratory for Molecular Medicine, Mass General Brigham Personalized Medicine
Classification: Likely benign. Last evaluated: 2017-06-05. Review status: criteria provided, single submitter. Criteria: LMM Criteria. Collection method: clinical testing. Allele origin: germline. Observed: 1 variant allele.
Comment: p.Thr71Thr in exon 2A of GATA3: This variant is not expected to have clinical si gnificance because it does not alter an amino acid residue and is not located wi thin the splice consensus sequence. It has been identified in 2/11314 European c hromosomes by the Exome Aggregation Consortium (ExAC .org; dbSNP rs767609253).